The following is an entry in ClinVar:

ClinVar aggregate classification (germline): Pathogenic (3 of 4 stars; one submission).

Conditions:
Breast-ovarian cancer, familial, susceptibility to, 2 (BROVCA2). Also called: BRCA2 Hereditary Breast and Ovarian Cancer. Identifiers: Orphanet 145, MedGen C2675520, MONDO:0012933, OMIM 612555. Disease mechanism: loss of function.

Submission:

Evidence-based Network for the Interpretation of Germline Mutant Alleles (ENIGMA)
Classification: Pathogenic for Breast-ovarian cancer, familial, susceptibility to, 2. Last evaluated: 2017-12-15. Review status: reviewed by expert panel. Criteria: ENIGMA BRCA1/2 Classification Criteria (2017-06-29). Collection method: curation. Allele origin: germline. Study: ENIGMA.
Comment: Variant allele predicted to encode a truncated non-functional protein.

NM_000059.4(BRCA2):c.465_466insT (p.Asp156Ter)

Gene: BRCA2 (BRCA2 DNA repair associated; plus strand). Cytogenetic location: 13q13.1.
Variant type: Insertion.
Coding change: c.465_466insT on transcript NM_000059.4 (MANE Select); coding-DNA positions 465 to 466, T inserted.
Protein change: p.Asp156Ter; replaces aspartic acid 156 with a stop codon.
Molecular consequence: nonsense.
Genome position: GRCh38 VCF-style: chr13-32326140-A-AT. GRCh37 (hg19) VCF-style: chr13-32900277-A-AT.
Other names: short protein forms D156*.
Identifiers: ClinVar variation 548347 (VCV000548347.1), dbSNP rs1555280954, ClinGen allele CA658823623.